The following is an entry in ClinVar:

NM_031935.3(HMCN1):c.2369G>A (p.Gly790Asp)

Gene: HMCN1 (hemicentin 1; plus strand). Cytogenetic location: 1q31.1.
Variant type: single nucleotide variant.
Coding change: c.2369G>A on transcript NM_031935.3 (MANE Select); coding-DNA position 2369, G replaced by A.
Protein change: p.Gly790Asp; replaces glycine 790 with aspartic acid.
Molecular consequence: missense variant.
Genome position (GRCh38, 1-based): chr1:185,970,491, G>A. VCF-style: chr1-185970491-G-A. GRCh37 (hg19) VCF-style: chr1-185939623-G-A.
Other names: c.2369G>A (NM_031935.2); short protein forms G790D.
Identifiers: ClinVar variation 1489849 (VCV001489849.7), dbSNP rs752448870, ClinGen allele CA1291364.

ClinVar aggregate classification (germline): Uncertain significance. Review status: criteria provided, multiple submitters, no conflicts (2 of 4 stars). 2 submissions from 2 submitters: Uncertain significance (2). Last evaluated 2025-06-09.

Allele frequency attached by ClinVar (database versions not stated): TOPMed 0.00003; ExAC 0.00004.
gnomAD v4.1: 18 of 1,612,840 alleles (0.0011%); highest among the groups gnomAD compares: Admixed American, 0.03%; no homozygotes.

Submissions (2):

Ambry Genetics
Classification: Uncertain significance. Last evaluated: 2025-06-09. Review status: criteria provided, single submitter. Criteria: Ambry Variant Classification Scheme 2023. Collection method: clinical testing. Allele origin: germline.

Labcorp Genetics (formerly Invitae), Labcorp
Classification: Uncertain significance. Last evaluated: 2023-11-13. Review status: criteria provided, single submitter. Criteria: Invitae Variant Classification Sherloc (09022015). Collection method: clinical testing. Allele origin: germline.
Comment: This sequence change replaces glycine, which is neutral and non-polar, with aspartic acid, which is acidic and polar, at codon 790 of the HMCN1 protein (p.Gly790Asp). This variant is present in population databases (rs752448870, gnomAD 0.04%), and has an allele count higher than expected for a pathogenic variant. This variant has not been reported in the literature in individuals affected with HMCN1-related conditions. ClinVar contains an entry for this variant (Variation ID: 1489849). An algorithm developed to predict the effect of missense changes on protein structure and function (PolyPhen-2) suggests that this variant is likely to be disruptive. In summary, the available evidence is currently insufficient to determine the role of this variant in disease. Therefore, it has been classified as a Variant of Uncertain Significance.